The following is an entry in ClinVar:

ClinVar aggregate classification (germline): Uncertain significance. Review status: criteria provided, multiple submitters, no conflicts (2 of 4 stars). 2 submissions from 2 submitters: Uncertain significance (2). Last evaluated 2025-06-09.

Conditions:
Hereditary cancer-predisposing syndrome. Also called: Tumor predisposition; Hereditary neoplastic syndrome; Neoplastic Syndromes, Hereditary; Hereditary Cancer Syndrome. Identifiers: Orphanet 140162, MedGen C0027672, MeSH D009386, MONDO:0015356.
Multiple endocrine neoplasia, type 2 (MEN2). Identifiers: Orphanet 653, MedGen C4048306, MONDO:0019003. Disease mechanism: gain of function.

Allele frequency attached by ClinVar (database versions not stated): gnomAD exomes below 0.00001.
gnomAD v4.1: 1 of 1,613,076 alleles (0.000062%); highest among the groups gnomAD compares: Non-Finnish European, 0.000085%; no homozygotes.

Submissions (2):

Labcorp Genetics (formerly Invitae), Labcorp
Classification: Uncertain significance for Multiple endocrine neoplasia, type 2. Last evaluated: 2025-06-09. Review status: criteria provided, single submitter. Criteria: Invitae Variant Classification Sherloc (09022015). Collection method: clinical testing. Allele origin: germline.
Comment: This sequence change replaces phenylalanine, which is neutral and non-polar, with leucine, which is neutral and non-polar, at codon 676 of the RET protein (p.Phe676Leu). This variant is not present in population databases (gnomAD no frequency). This variant has not been reported in the literature in individuals affected with RET-related conditions. ClinVar contains an entry for this variant (Variation ID: 1490931). An algorithm developed to predict the effect of missense changes on protein structure and function (PolyPhen-2) suggests that this variant is likely to be tolerated. In summary, the available evidence is currently insufficient to determine the role of this variant in disease. Therefore, it has been classified as a Variant of Uncertain Significance.

Ambry Genetics
Classification: Uncertain significance for Hereditary cancer-predisposing syndrome. Last evaluated: 2022-05-01. Review status: criteria provided, single submitter. Criteria: Ambry Variant Classification Scheme 2023. Collection method: clinical testing. Allele origin: germline.
Comment: The p.F676L variant (also known as c.2026T>C), located in coding exon 11 of the RET gene, results from a T to C substitution at nucleotide position 2026. The phenylalanine at codon 676 is replaced by leucine, an amino acid with highly similar properties. This amino acid position is conserved. In addition, the in silico prediction for this alteration is inconclusive. Since supporting evidence is limited at this time, the clinical significance of this alteration remains unclear.

NM_020975.6(RET):c.2026T>C (p.Phe676Leu)

Gene: RET (ret proto-oncogene; plus strand). Cytogenetic location: 10q11.21.
Variant type: single nucleotide variant.
Coding change: c.2026T>C on transcript NM_020975.6 (MANE Select); coding-DNA position 2026, T replaced by C.
Protein change: p.Phe676Leu; replaces phenylalanine 676 with leucine.
Molecular consequence: missense variant.
Genome position (GRCh38, 1-based): chr10:43,114,626, T>C. VCF-style: chr10-43114626-T-C. GRCh37 (hg19) VCF-style: chr10-43610074-T-C.
Other names: c.2026T>C, p.Phe676Leu (NM_000323.2, NM_001406743.1, NM_001406744.1 and 4 more transcripts); c.1264T>C, p.Phe422Leu (NM_001355216.2); c.1897T>C, p.Phe633Leu (NM_001406761.1, NM_001406762.1, NM_001406764.1); c.1891T>C, p.Phe631Leu (NM_001406763.1, NM_001406765.1); c.1738T>C, p.Phe580Leu (NM_001406766.1, NM_001406767.1, NM_001406770.1); c.1762T>C, p.Phe588Leu (NM_001406768.1); c.1630T>C, p.Phe544Leu (NM_001406769.1, NM_001406772.1); c.1588T>C, p.Phe530Leu (NM_001406771.1, NM_001406773.1); and 10 more; short protein forms F422L, F676L, F377L, F580L, F633L, F241L, F334L, F434L.
Identifiers: ClinVar variation 1490931 (VCV001490931.11), dbSNP rs2132850697, ClinGen allele CA376553161.